The following is an entry in ClinVar:

ClinVar aggregate classification (germline): Conflicting classifications of pathogenicity. Review status: criteria provided, conflicting classifications (1 of 4 stars). 8 submissions from 8 submitters: Uncertain significance (3); Likely benign (5). Last evaluated 2026-01-11.

Conditions:
DNM1L-related disorder. Also called: DNM1L-related condition.
Inborn genetic diseases. Identifiers: MedGen C0950123, MeSH D030342.
Encephalopathy, lethal, due to defective mitochondrial peroxisomal fission 1. Also called: Lethal Encephalopathy Due To Defective Mitochondrial Peroxisomal Fission. Identifiers: Orphanet 330050, MedGen C3280660, MONDO:0013726, OMIM 614388.

Allele frequency attached by ClinVar (database versions not stated): 1000 Genomes Project 30x 0.00016; ESP Exome Variant Server 0.00069; gnomAD 0.00073; TOPMed 0.00079.
gnomAD v4.1: 1,146 of 1,614,186 alleles (0.071%); highest among the groups gnomAD compares: Admixed American, 0.093%; 1 homozygote.

Submissions (9):

Labcorp Genetics (formerly Invitae), Labcorp
Classification: Uncertain significance. Last evaluated: 2026-01-11. Review status: criteria provided, single submitter. Criteria: Invitae Variant Classification Sherloc (09022015). Collection method: clinical testing. Allele origin: germline.
Comment: This sequence change replaces isoleucine, which is neutral and non-polar, with phenylalanine, which is neutral and non-polar, at codon 612 of the DNM1L protein (p.Ile612Phe). This variant is present in population databases (rs138133550, gnomAD 0.09%), and has an allele count higher than expected for a pathogenic variant. This variant has not been reported in the literature in individuals affected with DNM1L-related conditions. ClinVar contains an entry for this variant (Variation ID: 214305). An algorithm developed to predict the effect of missense changes on protein structure and function (PolyPhen-2) suggests that this variant is likely to be tolerated. In summary, the available evidence is currently insufficient to determine the role of this variant in disease. Therefore, it has been classified as a Variant of Uncertain Significance.

Mayo Clinic Laboratories, Mayo Clinic
Classification: Uncertain significance. Last evaluated: 2025-09-02. Review status: criteria provided, single submitter. Criteria: ACMG Guidelines, 2015. Collection method: clinical testing. Allele origin: germline. Observed: 1 variant allele.

PreventionGenetics, part of Exact Sciences
Classification: Uncertain significance for DNM1L-related condition. Last evaluated: 2025-09-02. Review status: criteria provided, single submitter. Criteria: ACMG Guidelines, 2015. Collection method: clinical testing. Allele origin: germline.
Comment: The DNM1L c.1834A>T variant is predicted to result in the amino acid substitution p.Ile612Phe. To our knowledge, this variant has not been reported in the literature. This variant is reported in 0.090% of alleles in individuals of European (Non-Finnish) descent in gnomAD. Although we suspect that this variant may be benign, at this time, the clinical significance of this variant is uncertain due to the absence of conclusive functional and genetic evidence.

Blueprint Genetics
Classification: Likely benign. Last evaluated: 2024-11-26. Review status: criteria provided, single submitter. Criteria: ACMG Guidelines, 2015. Collection method: clinical testing. Allele origin: germline.

CeGaT Center for Human Genetics Tuebingen
Classification: Likely benign. Last evaluated: 2023-09-01. Review status: criteria provided, single submitter. Criteria: CeGaT Center For Human Genetics Tuebingen Variant Classification Criteria Version 2. Collection method: clinical testing. Allele origin: germline. Affected: yes. Observed: 1 variant allele.
Comment: DNM1L: BP4

Ambry Genetics
Classification: Likely benign for Inborn genetic diseases. Last evaluated: 2021-09-15. Review status: criteria provided, single submitter. Criteria: Ambry Variant Classification Scheme 2023. Collection method: clinical testing. Allele origin: germline.

Mendelics
Classification: Likely benign for Encephalopathy, lethal, due to defective mitochondrial peroxisomal fission 1. Last evaluated: 2019-05-28. Review status: criteria provided, single submitter. Criteria: Mendelics Assertion Criteria 2017. Collection method: clinical testing. Allele origin: unknown.

GeneDx
Classification: Likely benign. Last evaluated: 2017-06-05. Review status: criteria provided, single submitter. Criteria: GeneDx Variant Classification (06012015). Collection method: clinical testing. Allele origin: germline. Affected: yes.
Comment: This variant is considered likely benign or benign based on one or more of the following criteria: it is a conservative change, it occurs at a poorly conserved position in the protein, it is predicted to be benign by multiple in silico algorithms, and/or has population frequency not consistent with disease.

Dr. Peter K. Rogan Lab, Western University
No classification provided (evidence only). Condition: Familial cancer of breast. Review status: no classification provided. Collection method: in vitro. Allele origin: not applicable. Functional consequence: retained intron. Not counted in ClinVar's aggregate classification.

NM_012062.5(DNM1L):c.1834A>T (p.Ile612Phe)

Gene: DNM1L (dynamin 1L; plus strand). Cytogenetic location: 12p11.21.
Variant type: single nucleotide variant.
Coding change: c.1834A>T on transcript NM_012062.5 (MANE Select); coding-DNA position 1834, A replaced by T.
Protein change: p.Ile612Phe; replaces isoleucine 612 with phenylalanine.
Molecular consequence: missense variant.
Genome position (GRCh38, 1-based): chr12:32,740,190, A>T. VCF-style: chr12-32740190-A-T. GRCh37 (hg19) VCF-style: chr12-32893124-A-T.
Other names: p.I612F:ATT>TTT; p.Ile612Phe; c.1801A>T, p.Ile601Phe (NM_001278463.2); c.1873A>T, p.Ile625Phe (NM_001278464.2); c.1840A>T, p.Ile614Phe (NM_001278465.2); c.1225A>T, p.Ile409Phe (NM_001278466.2); c.1762A>T, p.Ile588Phe (NM_001330380.2); c.1723A>T, p.Ile575Phe (NM_005690.5); and 1 more; short protein forms I612F, I409F, I601F, I588F, I575F, I586F, I614F, I625F.
Identifiers: ClinVar variation 214305 (VCV000214305.36), dbSNP rs138133550, ClinGen allele CA319868.